The following is an entry in ClinVar:

NM_000702.4(ATP1A2):c.1104G>A (p.Thr368=)

Gene: ATP1A2 (ATPase Na+/K+ transporting subunit alpha 2; plus strand). Cytogenetic location: 1q23.2.
Variant type: single nucleotide variant.
Coding change: c.1104G>A on transcript NM_000702.4 (MANE Select); coding-DNA position 1104, G replaced by A.
Protein change: p.Thr368=; no amino-acid change (threonine 368 retained).
Molecular consequence: synonymous variant.
Genome position (GRCh38, 1-based): chr1:160,128,738, G>A. VCF-style: chr1-160128738-G-A. GRCh37 (hg19) VCF-style: chr1-160098528-G-A.
Identifiers: ClinVar variation 377526 (VCV000377526.23), dbSNP rs138766432, ClinGen allele CA1194372.

ClinVar aggregate classification (germline): Benign/Likely benign. Review status: criteria provided, multiple submitters, no conflicts (2 of 4 stars). 8 submissions from 5 submitters: Benign (6); Likely benign (2). Last evaluated 2025-06-12.

Conditions:
Familial hemiplegic migraine. Identifiers: MedGen C0338484, MONDO:0000700.
Alternating hemiplegia of childhood 1 (AHC1). Identifiers: Orphanet 2131, MedGen C3549447, MONDO:0007087, OMIM 104290.
Migraine, familial hemiplegic, 2. Identifiers: Orphanet 569, MedGen C1865322, MONDO:0011232, OMIM 602481.
Fetal akinesia, respiratory insufficiency, microcephaly, polymicrogyria, and dysmorphic facies. Identifiers: MedGen C5562015, MONDO:0859204, OMIM 619602.
Developmental and epileptic encephalopathy 98. Identifiers: MedGen C5562017, MONDO:0030472, OMIM 619605.

Allele frequency attached by ClinVar (database versions not stated): TOPMed 0.00002; 1000 Genomes Project 30x 0.00016; 1000 Genomes Project 0.00020.
gnomAD v4.1: 103 of 1,614,144 alleles (0.0064%); highest among the groups gnomAD compares: South Asian, 0.09%; no homozygotes.

Submissions (8):

Labcorp Genetics (formerly Invitae), Labcorp
Classification: Benign for Familial hemiplegic migraine. Last evaluated: 2025-06-12. Review status: criteria provided, single submitter. Criteria: Invitae Variant Classification Sherloc (09022015). Collection method: clinical testing. Allele origin: germline.

CeGaT Center for Human Genetics Tuebingen
Classification: Likely benign. Last evaluated: 2025-05-01. Review status: criteria provided, single submitter. Criteria: CeGaT Center For Human Genetics Tuebingen Variant Classification Criteria Version 2. Collection method: clinical testing. Allele origin: germline. Affected: yes. Observed: 1 variant allele.
Comment: ATP1A2: BP4, BP7

Blueprint Genetics
Classification: Likely benign. Last evaluated: 2024-11-07. Review status: criteria provided, single submitter. Criteria: ACMG Guidelines, 2015. Collection method: clinical testing. Allele origin: germline.

Genome-Nilou Lab
Classification: Benign for Alternating hemiplegia of childhood 1. Last evaluated: 2021-12-05. Review status: criteria provided, single submitter. Criteria: ACMG Guidelines, 2015. Collection method: clinical testing. Allele origin: germline. Affected: no.

Genome-Nilou Lab
Classification: Benign for Developmental and epileptic encephalopathy 98. Last evaluated: 2021-12-05. Review status: criteria provided, single submitter. Criteria: ACMG Guidelines, 2015. Collection method: clinical testing. Allele origin: germline. Affected: no.

Genome-Nilou Lab
Classification: Benign for Fetal akinesia, respiratory insufficiency, microcephaly, polymicrogyria, and dysmorphic facies. Last evaluated: 2021-12-05. Review status: criteria provided, single submitter. Criteria: ACMG Guidelines, 2015. Collection method: clinical testing. Allele origin: germline. Affected: no.

Genome-Nilou Lab
Classification: Benign for Migraine, familial hemiplegic, 2. Last evaluated: 2021-12-05. Review status: criteria provided, single submitter. Criteria: ACMG Guidelines, 2015. Collection method: clinical testing. Allele origin: germline. Affected: no.

GeneDx
Classification: Benign. Last evaluated: 2015-08-31. Review status: criteria provided, single submitter. Criteria: GeneDx Variant Classification (06012015). Collection method: clinical testing. Allele origin: germline. Affected: yes.
Comment: This variant is considered likely benign or benign based on one or more of the following criteria: it is a conservative change, it occurs at a poorly conserved position in the protein, it is predicted to be benign by multiple in silico algorithms, and/or has population frequency not consistent with disease.